The following is an entry in ClinVar:

NM_032242.4(PLXNA1):c.3396C>T (p.Asn1132=)

Gene: PLXNA1 (plexin A1; plus strand). Cytogenetic location: 3q21.3.
Variant type: single nucleotide variant.
Coding change: c.3396C>T on transcript NM_032242.4 (MANE Select); coding-DNA position 3396, C replaced by T.
Protein change: p.Asn1132=; no amino-acid change (asparagine 1132 retained).
Molecular consequence: synonymous variant.
Genome position (GRCh38, 1-based): chr3:127,017,544, C>T. VCF-style: chr3-127017544-C-T. GRCh37 (hg19) VCF-style: chr3-126736387-C-T.
Identifiers: ClinVar variation 3033014 (VCV003033014.4), dbSNP rs148780407, ClinGen allele CA2594006.

ClinVar aggregate classification (germline): Likely benign. Review status: criteria provided, single submitter (1 of 4 stars). 2 submissions from 2 submitters: Likely benign (1). 1 of the submissions does not count toward it. Last evaluated 2024-09-01.

Conditions:
PLXNA1-related disorder. Also called: PLXNA1-related condition.

Allele frequency attached by ClinVar (database versions not stated): ExAC 0.00007; TOPMed 0.00007; ESP Exome Variant Server 0.00008; gnomAD 0.00011.
gnomAD v4.1: 154 of 1,613,612 alleles (0.0095%); highest among the groups gnomAD compares: Non-Finnish European, 0.011%; no homozygotes.

Submissions (2):

Labcorp Genetics (formerly Invitae), Labcorp
Classification: Likely benign. Last evaluated: 2024-09-01. Review status: criteria provided, single submitter. Criteria: Invitae Variant Classification Sherloc (09022015). Collection method: clinical testing. Allele origin: germline.

PreventionGenetics, part of Exact Sciences
Classification: Likely benign for PLXNA1-related condition. Last evaluated: 2021-06-07. Review status: no assertion criteria provided. Collection method: clinical testing. Allele origin: germline. Not counted in ClinVar's aggregate classification.
Comment: This variant is classified as likely benign based on ACMG/AMP sequence variant interpretation guidelines (Richards et al. 2015 PMID: 25741868, with internal and published modifications).